The following is an entry in ClinVar:

NM_006348.5(COG5):c.348-2A>G

Gene: COG5 (component of oligomeric golgi complex 5; minus strand). Cytogenetic location: 7q22.3.
Variant type: single nucleotide variant.
Coding change: c.348-2A>G on transcript NM_006348.5 (MANE Select); the canonical splice acceptor site of the intron before coding-DNA position 348, A replaced by G.
Molecular consequence: splice acceptor variant. On other transcripts: intron variant (1).
Genome position (GRCh38, 1-based): chr7:107,548,182, T>C on the plus strand (A>G on the coding strand, the complement: COG5 is on the minus strand). VCF-style: chr7-107548182-T-C. GRCh37 (hg19) VCF-style: chr7-107188627-T-C.
Other names: c.234+9794A>G (NM_001379516.1); c.348-2A>G (NM_001379515.1, NM_001379511.1, NM_001379512.1 and 4 more transcripts).
Identifiers: ClinVar variation 2428822 (VCV002428822.4), dbSNP rs2535641517, ClinGen allele CA368820215.

ClinVar aggregate classification (germline): Likely pathogenic (1 of 4 stars; one submission).

gnomAD v4.1: 1 of 1,613,360 alleles (0.000062%); no homozygotes.

Submission:

GeneDx
Classification: Likely pathogenic. Last evaluated: 2022-08-03. Review status: criteria provided, single submitter. Criteria: GeneDx Variant Classification Process June 2021. Collection method: clinical testing. Allele origin: germline. Affected: yes.
Comment: Reported as heterozygous in a precision medicine study; however, no specific clinical details were provided (Hou et al., 2020); Canonical splice site variant predicted to result in a null allele in a gene for which loss of function is a known mechanism of disease; Not observed at significant frequency in large population cohorts (gnomAD); This variant is associated with the following publications: (PMID: 31980526)